The following is an entry in ClinVar:

NM_001378454.1(ALMS1):c.6019C>T (p.Gln2007Ter)

Gene: ALMS1 (ALMS1 centrosome and basal body associated protein; plus strand). Cytogenetic location: 2p13.1.
Variant type: single nucleotide variant.
Coding change: c.6019C>T on transcript NM_001378454.1 (MANE Select); coding-DNA position 6019, C replaced by T.
Protein change: p.Gln2007Ter; replaces glutamine 2007 with a stop codon.
Molecular consequence: nonsense.
Genome position (GRCh38, 1-based): chr2:73,452,546, C>T. VCF-style: chr2-73452546-C-T. GRCh37 (hg19) VCF-style: chr2-73679673-C-T.
Other names: c.6022C>T, p.Gln2008Ter (NM_015120.4); short protein forms Q2007*, Q2008*.
Identifiers: ClinVar variation 4815797 (VCV004815797.1).
Genomic context (GRCh38, chr2:73,452,546, plus strand): 5'-TCCTACTCACATTCACATAAAGAGAAACTCAAGATTTCAACTGTGCATATACCAGATGAC[C>T]AGAAAACTGAGTTTCCAGCAGCTACCCTTAGTTCCTACTCACAAATAGAGAAGCCCAAGA-3'

ClinVar aggregate classification (germline): Likely pathogenic (1 of 4 stars; one submission).

Conditions:
Alstrom syndrome (ALMS). Identifiers: Orphanet 64, MedGen C0268425, MONDO:0008763, OMIM 203800.

gnomAD v4.1: 1 of 1,614,016 alleles (0.000062%); highest among the groups gnomAD compares: Non-Finnish European, 0.000085%; no homozygotes.

Submission:

Natera, Inc.
Classification: Likely pathogenic for Alstrom syndrome. Last evaluated: 2025-10-17. Review status: criteria provided, single submitter. Criteria: Natera Variant Classification Schema (03/2026). Collection method: clinical testing. Allele origin: germline.
Comment: The c.6022C>T variant in ALMS1 is a nonsense variant predicted to introduce a stop codon at amino acid 2008. This variant is expected to result in nonsense mediated decay, truncation, or a dysfunctional protein product. This variant is rare in the general population with a frequency below the threshold expected for the associated phenotype(s). Given the available evidence, this variant is classified as Likely Pathogenic.